The following is an entry in ClinVar:

ClinVar aggregate classification (germline): Uncertain significance (1 of 4 stars; one submission).

gnomAD v4.1: 3 of 1,611,604 alleles (0.00019%); highest among the groups gnomAD compares: East Asian, 0.0045%; no homozygotes.

Submission:

Labcorp Genetics (formerly Invitae), Labcorp
Classification: Uncertain significance. Last evaluated: 2024-04-13. Review status: criteria provided, single submitter. Criteria: Invitae Variant Classification Sherloc (09022015). Collection method: clinical testing. Allele origin: germline.
Comment: This sequence change replaces alanine, which is neutral and non-polar, with glycine, which is neutral and non-polar, at codon 516 of the TECTA protein (p.Ala516Gly). This variant is present in population databases (rs764245058, gnomAD 0.01%). This variant has not been reported in the literature in individuals affected with TECTA-related conditions. Advanced modeling of protein sequence and biophysical properties (such as structural, functional, and spatial information, amino acid conservation, physicochemical variation, residue mobility, and thermodynamic stability) performed at Invitae indicates that this missense variant is not expected to disrupt TECTA protein function with a negative predictive value of 95%. In summary, the available evidence is currently insufficient to determine the role of this variant in disease. Therefore, it has been classified as a Variant of Uncertain Significance.

NM_005422.4(TECTA):c.1547C>G (p.Ala516Gly)

Genes: TBCEL-TECTA (TBCEL-TECTA readthrough; plus strand), TECTA (tectorin alpha; plus strand). Cytogenetic location: 11q23.3.
Variant type: single nucleotide variant.
Coding change: c.1547C>G on transcript NM_005422.4 (MANE Select); coding-DNA position 1547, C replaced by G.
Protein change: p.Ala516Gly; replaces alanine 516 with glycine.
Molecular consequence: missense variant.
Genome position (GRCh38, 1-based): chr11:121,125,645, C>G. VCF-style: chr11-121125645-C-G. GRCh37 (hg19) VCF-style: chr11-120996354-C-G.
Other names: c.2504C>G, p.Ala835Gly (NM_001378761.1); short protein forms A516G, A835G.
Identifiers: ClinVar variation 3624405 (VCV003624405.2).